The following is an entry in ClinVar:

NM_007294.4(BRCA1):c.2874C>A (p.Phe958Leu)

Gene: BRCA1 (BRCA1 DNA repair associated; minus strand). Cytogenetic location: 17q21.31.
Variant type: single nucleotide variant.
Coding change: c.2874C>A on transcript NM_007294.4 (MANE Select); coding-DNA position 2874, C replaced by A.
Protein change: p.Phe958Leu; replaces phenylalanine 958 with leucine.
Molecular consequence: missense variant. On other transcripts: intron variant (137).
Genome position (GRCh38, 1-based): chr17:43,092,657, G>T on the plus strand (C>A on the coding strand, the complement: BRCA1 is on the minus strand). VCF-style: chr17-43092657-G-T. GRCh37 (hg19) VCF-style: chr17-41244674-G-T.
Other names: c.2748C>A, p.Phe916Leu (NM_001407670.1, NM_001407671.1, NM_001407672.1 and 11 more transcripts); c.578-1625C>A (NM_001408480.1, NM_001408481.1, NM_001408492.1 and 9 more transcripts); c.779-1625C>A (NM_001408408.1); c.665-1625C>A (NM_001408438.1, NM_001408444.1, NM_001408436.1 and 12 more transcripts); c.785-1625C>A (NM_001408396.1, NM_001407985.1, NM_001408401.1 and 13 more transcripts); c.2751C>A, p.Phe917Leu (NM_001407676.1, NM_001407677.1, NM_001407674.1 and 19 more transcripts); c.662-1625C>A (NM_001408446.1, NM_001408435.1, NM_001408448.1 and 6 more transcripts); c.548-1625C>A (NM_001408494.1); and 41 more; short protein forms F911L, F958L, F830L, F831L, F917L, F931L, F957L, F790L.
Identifiers: ClinVar variation 919191 (VCV000919191.13), dbSNP rs1029207537, ClinGen allele CA10596239.

ClinVar aggregate classification (germline): Conflicting classifications of pathogenicity. Review status: criteria provided, conflicting classifications (1 of 4 stars). 3 submissions from 3 submitters: Uncertain significance (2); Likely benign (1). Last evaluated 2023-03-23.

Conditions:
Hereditary breast ovarian cancer syndrome. Also called: BRCA1- and BRCA2-Associated Hereditary Breast and Ovarian Cancer; Hereditary breast and ovarian cancer syndrome; Hereditary breast and ovarian cancer; Hereditary breast and ovarian cancer syndrome (HBOC); Breast and ovarian cancer; Hereditary breast and/or ovarian cancer syndrome. Identifiers: Orphanet 145, MedGen C0677776, MeSH D061325, MONDO:0003582. Disease mechanism: loss of function.
Hereditary cancer-predisposing syndrome. Also called: Neoplastic Syndromes, Hereditary; Tumor predisposition; Hereditary Cancer Syndrome; Hereditary neoplastic syndrome. Identifiers: Orphanet 140162, MedGen C0027672, MeSH D009386, MONDO:0015356.

Submissions (3):

University of Washington Department of Laboratory Medicine, University of Washington
Classification: Likely benign for Hereditary cancer-predisposing syndrome. Last evaluated: 2023-03-23. Review status: criteria provided, single submitter. Criteria: Dines et al. (Genet Med. 2020). Collection method: curation. Allele origin: germline.
Comment: Missense variant in a coldspot region where missense variants are very unlikely to be pathogenic (PMID:31911673).

BRCA1 coldspot (exon 11 using historical exon numbering). Reclassification based on statistical prior probability

Color Diagnostics, LLC DBA Color Health
Classification: Uncertain significance for Hereditary cancer-predisposing syndrome. Last evaluated: 2021-10-15. Review status: criteria provided, single submitter. Criteria: ACMG Guidelines, 2015. Collection method: clinical testing. Allele origin: germline.
Comment: This missense variant replaces phenylalanine with leucine at codon 958 of the BRCA1 protein. Computational prediction is inconclusive regarding the impact of this variant on protein structure and function (internally defined REVEL score threshold 0.5 < inconclusive < 0.7, PMID: 27666373). To our knowledge, functional studies have not been reported for this variant. This variant has not been reported in individuals affected with hereditary cancer in the literature. However, there is variant has been reported in association with breast/ovarian cancer (Leiden Open Variation Database individual #00272588) and a different single-nucleotide variant causing the same protein change has been detected in a suspected hereditary breast and ovarian cancer family (PMID: 27062684). This variant has not been identified in the general population by the Genome Aggregation Database (gnomAD). The available evidence is insufficient to determine the role of this variant in disease conclusively. Therefore, this variant is classified as a Variant of Uncertain Significance.

Labcorp Genetics (formerly Invitae), Labcorp
Classification: Uncertain significance for Hereditary breast ovarian cancer syndrome. Last evaluated: 2021-08-24. Review status: criteria provided, single submitter. Criteria: Invitae Variant Classification Sherloc (09022015). Collection method: clinical testing. Allele origin: germline.
Comment: This sequence change replaces phenylalanine with leucine at codon 958 of the BRCA1 protein (p.Phe958Leu). The phenylalanine residue is moderately conserved and there is a small physicochemical difference between phenylalanine and leucine. This variant is not present in population databases (ExAC no frequency). This missense change has been observed in individual(s) with breast and/or ovarian cancer (PMID: 27062684). ClinVar contains an entry for this variant (Variation ID: 919191). Advanced modeling of protein sequence and biophysical properties (such as structural, functional, and spatial information, amino acid conservation, physicochemical variation, residue mobility, and thermodynamic stability) performed at Invitae indicates that this missense variant is not expected to disrupt BRCA1 protein function. In summary, the available evidence is currently insufficient to determine the role of this variant in disease. Therefore, it has been classified as a Variant of Uncertain Significance.

Literature cited by the submitters: PubMed 27062684 (cited by Color Diagnostics, LLC DBA Color Health and Labcorp Genetics (formerly Invitae), Labcorp).